The following is an entry in ClinVar:

NM_000235.4(LIPA):c.811A>C (p.Asn271His)

Gene: LIPA (lipase A, lysosomal acid type; minus strand). Cytogenetic location: 10q23.31.
Variant type: single nucleotide variant.
Coding change: c.811A>C on transcript NM_000235.4 (MANE Select); coding-DNA position 811, A replaced by C.
Protein change: p.Asn271His; replaces asparagine 271 with histidine.
Molecular consequence: missense variant.
Genome position (GRCh38, 1-based): chr10:89,223,695, T>G on the plus strand (A>C on the coding strand, the complement: LIPA is on the minus strand). VCF-style: chr10-89223695-T-G. GRCh37 (hg19) VCF-style: chr10-90983452-T-G.
Other names: c.811A>C, p.Asn271His (NM_001127605.3, NM_001440818.1, NM_001440819.1 and 16 more transcripts); c.463A>C, p.Asn155His (NM_001288979.2); c.826A>C, p.Asn276His (NM_001440838.1); c.643A>C, p.Asn215His (NM_001440839.1); c.943A>C, p.Asn315His (NM_001440836.1); c.832A>C, p.Asn278His (NM_001440837.1); short protein forms N155H, N215H, N271H, N276H, N278H, N315H.
Identifiers: ClinVar variation 4848990 (VCV004848990.1).

ClinVar aggregate classification (germline): Likely pathogenic (1 of 4 stars; one submission).

Conditions:
Cholesteryl ester storage disease (CESD). Also called: Childhood/Adult-Onset LAL-D (Cholesterol Ester Storage Disease [CESD]). Identifiers: Orphanet 75234, MedGen C0008384, MONDO:0019149, OMIM 278000.

gnomAD v4.1: 1 of 1,611,608 alleles (0.000062%); highest among the groups gnomAD compares: Non-Finnish European, 0.000085%; no homozygotes.

Submission:

Women's Health and Genetics/Laboratory Corporation of America, LabCorp
Classification: Likely pathogenic for Cholesteryl ester storage disease. Last evaluated: 2026-04-01. Review status: criteria provided, single submitter. Criteria: LabCorp Variant Classification Summary - May 2015. Collection method: clinical testing. Allele origin: germline.
Comment: Variant summary: LIPA c.811A>C (p.Asn271His) results in a conservative amino acid change in the encoded protein sequence. Algorithms developed to predict the effect of missense changes on protein structure and function are either unavailable or do not agree on the potential impact of this missense change. The variant was absent in 250140 control chromosomes. c.811A>C has been observed in the homozygous state in at least 1 individual(s) affected with Cholesteryl ester storage disease (example, Kojima_2013). These data indicate that the variant may be associated with disease. At least one publication reports experimental evidence evaluating an impact on protein function. The most pronounced variant effect results in <10% of normal activity in patient monocytes (example, Kojima_2013) while in vitro assays in different cell lines have shown variable results with less severe decreases in enzymatic activity (Del Angel_2019, Vinje_2018). The following publications have been ascertained in the context of this evaluation (PMID: 31180157, 23675960, 29196158). No submitters have cited clinical-significance assessments for this variant to ClinVar. Based on the evidence outlined above, the variant was classified as likely pathogenic.

Literature cited by the submitters: PubMed 29196158; PubMed 31180157; PubMed 23675960.